The following is an entry in ClinVar:

ClinVar aggregate classification (germline): Uncertain significance (1 of 4 stars; one submission).

Submission:

GeneDx
Classification: Uncertain significance. Last evaluated: 2024-03-14. Review status: criteria provided, single submitter. Criteria: GeneDx Variant Classification Process June 2021. Collection method: clinical testing. Allele origin: germline. Affected: yes.
Comment: Not observed at significant frequency in large population cohorts (gnomAD); In silico analysis supports that this missense variant has a deleterious effect on protein structure/function; Has not been previously published as pathogenic or benign to our knowledge

NM_001256012.3(MYH10):c.1259A>G (p.Lys420Arg)

Gene: MYH10 (myosin heavy chain 10; minus strand). Cytogenetic location: 17p13.1.
Variant type: single nucleotide variant.
Coding change: c.1259A>G on transcript NM_001256012.3 (MANE Select); coding-DNA position 1259, A replaced by G.
Protein change: p.Lys420Arg; replaces lysine 420 with arginine.
Molecular consequence: missense variant.
Genome position (GRCh38, 1-based): chr17:8,546,563, T>C on the plus strand (A>G on the coding strand, the complement: MYH10 is on the minus strand). VCF-style: chr17-8546563-T-C. GRCh37 (hg19) VCF-style: chr17-8449881-T-C.
Other names: c.1256A>G, p.Lys419Arg (NM_001256095.2); c.1259A>G, p.Lys420Arg (NM_001375266.1); c.1229A>G, p.Lys410Arg (NM_005964.5); short protein forms K410R, K419R, K420R.
Identifiers: ClinVar variation 3370807 (VCV003370807.1).
Genomic context (GRCh38, chr17:8,546,563, plus strand): 5'-CATTCAAACAAATCAGTAATAACAATGAACATGAAACCTACCTGTTCTTTGGTCTGGGCT[T>C]TTTGCACATAGTCTCGGCCGACCTTGATCCGGGGAGTCAGGATGGCCCGAGTAAACTCCA-3'
Protein context (NP_001242941.1, residues 410-430): RIKVGRDYVQ[Lys420Arg]AQTKEQADFA